The following is an entry in ClinVar:

ClinVar aggregate classification (germline): Uncertain significance (1 of 4 stars; one submission).

Submission:

Labcorp Genetics (formerly Invitae), Labcorp
Classification: Uncertain significance. Last evaluated: 2023-10-02. Review status: criteria provided, single submitter. Criteria: Invitae Variant Classification Sherloc (09022015). Collection method: clinical testing. Allele origin: germline.
Comment: This sequence change replaces threonine, which is neutral and polar, with proline, which is neutral and non-polar, at codon 1307 of the ADGRA3 protein (p.Thr1307Pro). This variant is not present in population databases (gnomAD no frequency). This variant has not been reported in the literature in individuals affected with ADGRA3-related conditions. ClinVar contains an entry for this variant (Variation ID: 2100990). An algorithm developed to predict the effect of missense changes on protein structure and function (PolyPhen-2) suggests that this variant is likely to be tolerated. In summary, the available evidence is currently insufficient to determine the role of this variant in disease. Therefore, it has been classified as a Variant of Uncertain Significance.

NM_145290.4(ADGRA3):c.3919A>C (p.Thr1307Pro)

Gene: ADGRA3 (adhesion G protein-coupled receptor A3; minus strand). Cytogenetic location: 4p15.2.
Variant type: single nucleotide variant.
Coding change: c.3919A>C on transcript NM_145290.4 (MANE Select); coding-DNA position 3919, A replaced by C.
Protein change: p.Thr1307Pro; replaces threonine 1307 with proline.
Molecular consequence: missense variant.
Genome position (GRCh38, 1-based): chr4:22,387,752, T>G on the plus strand (A>C on the coding strand, the complement: ADGRA3 is on the minus strand). VCF-style: chr4-22387752-T-G. GRCh37 (hg19) VCF-style: chr4-22389375-T-G.
Other names: short protein forms T1307P.
Identifiers: ClinVar variation 2100990 (VCV002100990.4), dbSNP rs1351207539, ClinGen allele CA356471402.